The following is an entry in ClinVar:

NM_003919.3(SGCE):c.1015A>G (p.Met339Val)

Genes: CASD1 (CAS1 domain sialic acid O acetyltransferase 1; plus strand), SGCE (sarcoglycan epsilon; minus strand). Cytogenetic location: 7q21.3.
Variant type: single nucleotide variant.
Coding change: c.1015A>G on transcript NM_003919.3 (MANE Select); coding-DNA position 1015, A replaced by G.
Protein change: p.Met339Val; replaces methionine 339 with valine.
Molecular consequence: missense variant.
Genome position (GRCh38, 1-based): chr7:94,600,668, T>C on the plus strand (A>G on the coding strand, the complement: SGCE is on the minus strand). VCF-style: chr7-94600668-T-C. GRCh37 (hg19) VCF-style: chr7-94229980-T-C.
Other names: c.1015A>G, p.Met339Val (NM_001099400.2, NM_001099401.2, NM_001346717.2); c.892A>G, p.Met298Val (NM_001301139.2, NM_001362809.2); c.1123A>G, p.Met375Val (NM_001346713.2, NM_001346715.2); c.928A>G, p.Met310Val (NM_001346719.2, NM_001362807.2); c.742A>G, p.Met248Val (NM_001346720.2, NM_001362808.2); short protein forms M339V, M375V, M248V, M298V, M310V.
Identifiers: ClinVar variation 949840 (VCV000949840.9), dbSNP rs866020566, ClinGen allele CA162922063.

ClinVar aggregate classification (germline): Uncertain significance (1 of 4 stars; one submission).

Conditions:
Myoclonic dystonia 11 (DYT11). Also called: DYT-SGCE; Myoclonic dystonia; Dystonia 11; Dystonia, alcohol responsive; Hereditary essential myoclonus; SGCE Myoclonus-Dystonia. Identifiers: Orphanet 36899, MedGen C1834570, MONDO:0008044, OMIM 159900.

Allele frequency attached by ClinVar (database versions not stated): gnomAD exomes below 0.00001; gnomAD 0.00001; TOPMed 0.00001.
gnomAD v4.1: 3 of 1,613,398 alleles (0.00019%); highest among the groups gnomAD compares: African/African-American, 0.0027%; no homozygotes.

Submission:

Labcorp Genetics (formerly Invitae), Labcorp
Classification: Uncertain significance for Myoclonic dystonia 11. Last evaluated: 2025-09-08. Review status: criteria provided, single submitter. Criteria: Invitae Variant Classification Sherloc (09022015). Collection method: clinical testing. Allele origin: germline.
Comment: This sequence change replaces methionine, which is neutral and non-polar, with valine, which is neutral and non-polar, at codon 339 of the SGCE protein (p.Met339Val). This variant is not present in population databases (gnomAD no frequency). This variant has not been reported in the literature in individuals affected with SGCE-related conditions. ClinVar contains an entry for this variant (Variation ID: 949840). Invitae Evidence Modeling of protein sequence and biophysical properties (such as structural, functional, and spatial information, amino acid conservation, physicochemical variation, residue mobility, and thermodynamic stability) has been performed for this missense variant. However, the output from this modeling did not meet the statistical confidence thresholds required to predict the impact of this variant on SGCE protein function. In summary, the available evidence is currently insufficient to determine the role of this variant in disease. Therefore, it has been classified as a Variant of Uncertain Significance.